The following is an entry in ClinVar:

NM_001267550.2(TTN):c.41180G>A (p.Arg13727His)

Gene: TTN (titin; minus strand). Cytogenetic location: 2q31.2.
Variant type: single nucleotide variant.
Coding change: c.41180G>A on transcript NM_001267550.2 (MANE Select); coding-DNA position 41180, G replaced by A.
Protein change: p.Arg13727His; replaces arginine 13727 with histidine.
Molecular consequence: missense variant.
Genome position (GRCh38, 1-based): chr2:178,636,547, C>T on the plus strand (G>A on the coding strand, the complement: TTN is on the minus strand). VCF-style: chr2-178636547-C-T. GRCh37 (hg19) VCF-style: chr2-179501274-C-T.
Other names: p.Arg12086His; c.36257G>A, p.Arg12086His (NM_001256850.1); c.13985G>A, p.Arg4662His (NM_003319.4); c.33476G>A, p.Arg11159His (NM_133378.4); c.14360G>A, p.Arg4787His (NM_133432.3); c.14561G>A, p.Arg4854His (NM_133437.4); short protein forms R13727H, R4854H, R12086H, R4662H, R11159H, R4787H.
Identifiers: ClinVar variation 405033 (VCV000405033.9), dbSNP rs750520224, ClinGen allele CA1996307.

ClinVar aggregate classification (germline): Uncertain significance. Review status: criteria provided, multiple submitters, no conflicts (2 of 4 stars). 6 submissions from 6 submitters: Uncertain significance (4). 2 of the submissions do not count toward it. Last evaluated 2023-04-14.

Conditions:
Cardiovascular phenotype. Identifiers: MedGen CN230736.
Autosomal recessive limb-girdle muscular dystrophy type 2J (LGMDR10). Also called: MUSCULAR DYSTROPHY, LIMB-GIRDLE, AUTOSOMAL RECESSIVE 10; Limb-girdle muscular dystrophy, type 2J. Identifiers: Orphanet 140922, MedGen C1837342, MONDO:0012127, OMIM 608807.
Dilated cardiomyopathy 1G (CMD1G). Identifiers: Orphanet 154, MedGen C1858763, MONDO:0011400, OMIM 604145.
Myopathy, myofibrillar, 9, with early respiratory failure (MFM9). Also called: Myopathy, distal, with early respiratory failure, autosomal dominant; Hereditary myopathy with early respiratory failure; EDSTROM MYOPATHY; MYOPATHY, PROXIMAL, WITH EARLY RESPIRATORY MUSCLE INVOLVEMENT. Identifiers: Orphanet 178464, Orphanet 34521, MedGen C1863599, MONDO:0011362, OMIM 603689.
Tibial muscular dystrophy (TMD). Also called: UDD MYOPATHY; Tibial muscular dystrophy, tardive; Udd Distal Myopathy – Tibial Muscular Dystrophy. Identifiers: Orphanet 609, MedGen C1838244, MONDO:0010870, OMIM 600334.
Early-onset myopathy with fatal cardiomyopathy (CMYO5). Also called: Salih Myopathy; CONGENITAL MYOPATHY 5 WITH CARDIOMYOPATHY. Identifiers: Orphanet 289377, MedGen C2673677, MONDO:0012714, OMIM 611705. Disease mechanism: loss of function.
Hypertrophic cardiomyopathy 9. Also called: Familial hypertrophic cardiomyopathy 9. Identifiers: MedGen C1861065, MONDO:0013412, OMIM 613765.

Allele frequency attached by ClinVar (database versions not stated): TOPMed below 0.00001; ExAC 0.00001; gnomAD 0.00001; gnomAD exomes 0.00001 and 0.00003.
gnomAD v4.1: 24 of 1,613,332 alleles (0.0015%); highest among the groups gnomAD compares: Admixed American, 0.0083%; no homozygotes.

Submissions (6):

Mayo Clinic Laboratories, Mayo Clinic
Classification: Uncertain significance. Last evaluated: 2023-04-14. Review status: criteria provided, single submitter. Criteria: ACMG Guidelines, 2015. Collection method: clinical testing. Allele origin: germline. Observed: 1 variant allele.

Ambry Genetics
Classification: Uncertain significance for Cardiovascular phenotype. Last evaluated: 2019-03-15. Review status: criteria provided, single submitter. Criteria: Ambry Variant Classification Scheme 2023. Collection method: clinical testing. Allele origin: germline.
Comment: The p.R4662H variant (also known as c.13985G>A), located in coding exon 52 of the TTN gene, results from a G to A substitution at nucleotide position 13985. The arginine at codon 4662 is replaced by histidine, an amino acid with highly similar properties. This amino acid position is highly conserved in available vertebrate species. In addition, this alteration is predicted to be tolerated by in silico analysis. Since supporting evidence is limited at this time, the clinical significance of this alteration remains unclear.

Fulgent Genetics
Classification: Uncertain significance for Tibial muscular dystrophy; Myopathy, myofibrillar, 9, with early respiratory failure; Dilated cardiomyopathy 1G; Autosomal recessive limb-girdle muscular dystrophy type 2J; Early-onset myopathy with fatal cardiomyopathy; Hypertrophic cardiomyopathy 9. Last evaluated: 2018-10-31. Review status: criteria provided, single submitter. Criteria: ACMG Guidelines, 2015. Collection method: clinical testing. Allele origin: unknown.

Labcorp Genetics (formerly Invitae), Labcorp
Classification: Uncertain significance for Dilated cardiomyopathy 1G; Autosomal recessive limb-girdle muscular dystrophy type 2J. Last evaluated: 2016-05-26. Review status: criteria provided, single submitter. Criteria: Invitae Variant Classification Sherloc (09022015). Collection method: clinical testing. Allele origin: germline.

Clinical Genetics DNA and cytogenetics Diagnostics Lab, Erasmus MC, Erasmus Medical Center
Classification: Uncertain significance. Review status: no assertion criteria provided. Collection method: clinical testing. Allele origin: germline. Affected: yes. Study: VKGL Data-share Consensus. Not counted in ClinVar's aggregate classification.

Genome Diagnostics Laboratory, University Medical Center Utrecht
Classification: Uncertain significance. Review status: no assertion criteria provided. Collection method: clinical testing. Allele origin: germline. Affected: yes. Study: VKGL Data-share Consensus. Not counted in ClinVar's aggregate classification.